The following is an entry in ClinVar:

NM_032578.4(MYPN):c.1765del (p.Arg589fs)

Gene: MYPN (myopalladin; plus strand). Cytogenetic location: 10q21.3.
Variant type: Deletion.
Coding change: c.1765del on transcript NM_032578.4 (MANE Select); coding-DNA position 1765, one base deleted (C; older notation c.1765delC).
Protein change: p.Arg589fs; shifts the reading frame from arginine 589.
Molecular consequence: frameshift variant. On other transcripts: non-coding transcript variant (2).
Genome position (GRCh38, 1-based): chr10:68,166,458, C deleted; the last of 4 consecutive C bases (chr10:68,166,455-68,166,458); deleting any one gives the same sequence. VCF-style (leftmost placement, unchanged base first): chr10-68166454-GC-G. GRCh37 (hg19) VCF-style: chr10-69926211-GC-G.
Other names: c.1765del, p.Arg589fs (NM_001256267.2); c.883del, p.Arg295fs (NM_001256268.2); short protein forms R295fs, R589fs.
Identifiers: ClinVar variation 4717415 (VCV004717415.3).

ClinVar aggregate classification (germline): Pathogenic/Likely pathogenic. Review status: criteria provided, multiple submitters, no conflicts (2 of 4 stars). 2 submissions from 2 submitters: Pathogenic (1); Likely pathogenic (1). Last evaluated 2025-04-19.

Conditions:
Dilated cardiomyopathy 1KK (CMD1KK). Identifiers: Orphanet 154, Orphanet 75249, MedGen C3714995, MONDO:0014100, OMIM 615248.
MYPN-related myopathy (CMYO24). Also called: Nemaline myopathy 11, autosomal recessive. Identifiers: MedGen C4479186, MONDO:0015023, OMIM 617336.

Submissions (2):

Labcorp Genetics (formerly Invitae), Labcorp
Classification: Pathogenic for Dilated cardiomyopathy 1KK. Last evaluated: 2025-04-19. Review status: criteria provided, single submitter. Criteria: Invitae Variant Classification Sherloc (09022015). Collection method: clinical testing. Allele origin: germline.
Comment: This sequence change creates a premature translational stop signal (p.Arg589Glyfs*30) in the MYPN gene. It is expected to result in an absent or disrupted protein product. Loss-of-function variants in MYPN are known to be pathogenic (PMID: 28017374). This variant is not present in population databases (gnomAD no frequency). This variant has not been reported in the literature in individuals affected with MYPN-related conditions. For these reasons, this variant has been classified as Pathogenic.

Juno Genomics, Hangzhou Juno Genomics, Inc
Classification: Likely pathogenic for MYPN-related myopathy; Dilated cardiomyopathy 1KK. Review status: criteria provided, single submitter. Criteria: ACMG Guidelines, 2015. Collection method: clinical testing. Allele origin: germline.
Comment: Null variant in a gene where loss of function (LOF) is a known mechanism of disease.;Absent from controls (or at extremely low frequency if recessive) in Genome Aggregation Database.

Literature cited by the submitters: PubMed 28017374 (cited by Labcorp Genetics (formerly Invitae), Labcorp).